The following is an entry in ClinVar:

ClinVar aggregate classification (germline): Likely pathogenic (1 of 4 stars; one submission).

Submission:

GeneDx
Classification: Likely pathogenic. Last evaluated: 2018-09-12. Review status: criteria provided, single submitter. Criteria: GeneDx Variant Classification (06012015). Collection method: clinical testing. Allele origin: germline. Affected: yes.
Comment: A variant that is likely pathogenic has been identified in the AHDC1 gene. The E516X variant has not been published as a pathogenic variant, nor has it been reported as a benign variant to our knowledge. The E516X variant is not observed in large population cohorts (Lek et al., 2016). The E516X nonsense variant is predicted to cause loss of normal protein function through protein truncation, as the last 1088 amino acids are lost. Therefore, this variant is likely pathogenic; however, the possibility that it is benign cannot be excluded.

NM_001371928.1(AHDC1):c.1546G>T (p.Glu516Ter)

Gene: AHDC1 (AT-hook DNA binding motif containing 1; minus strand). Cytogenetic location: 1p36.11.
Variant type: single nucleotide variant.
Coding change: c.1546G>T on transcript NM_001371928.1 (MANE Select); coding-DNA position 1546, G replaced by T.
Protein change: p.Glu516Ter; replaces glutamic acid 516 with a stop codon.
Molecular consequence: nonsense.
Genome position (GRCh38, 1-based): chr1:27,550,570, C>A on the plus strand (G>T on the coding strand, the complement: AHDC1 is on the minus strand). VCF-style: chr1-27550570-C-A. GRCh37 (hg19) VCF-style: chr1-27877081-C-A.
Other names: c.1546G>T, p.Glu516Ter (NM_001029882.3); short protein forms E516*.
Identifiers: ClinVar variation 620359 (VCV000620359.1), dbSNP rs1013039657, ClinGen allele CA339233859.
Genomic context (GRCh38, chr1:27,550,570, plus strand): 5'-GTGGGAAGACCACTACCACGTTCCGCCCATTGTTCTTCATCTTCAGCAGCGGGGTGGGCT[C>A]AGCCGACACGCGCAGGCCCAGCTCCTTGCCCTCCACGCTCAGGCTGCTGCTCAAGGAAGA-3'